The following is an entry in ClinVar:

NM_000883.4(IMPDH1):c.184C>T (p.Arg62Cys)

Gene: IMPDH1 (inosine monophosphate dehydrogenase 1; minus strand). Cytogenetic location: 7q32.1.
Variant type: single nucleotide variant.
Coding change: c.184C>T on transcript NM_000883.4 (MANE Select); coding-DNA position 184, C replaced by T.
Protein change: p.Arg62Cys; replaces arginine 62 with cysteine.
Molecular consequence: missense variant. On other transcripts: intron variant (3).
Genome position (GRCh38, 1-based): chr7:128,409,447, G>A on the plus strand (C>T on the coding strand, the complement: IMPDH1 is on the minus strand). VCF-style: chr7-128409447-G-A. GRCh37 (hg19) VCF-style: chr7-128049501-G-A.
Other names: c.184C>T, p.Arg62Cys (NM_001142576.2); c.146+309C>T (NM_001304521.2, NM_183243.3); c.147-81C>T (NM_001102605.2); short protein forms R62C.
Identifiers: ClinVar variation 1991632 (VCV001991632.4), dbSNP rs926912595, ClinGen allele CA166137484.

ClinVar aggregate classification (germline): Uncertain significance (1 of 4 stars; one submission).

Allele frequency attached by ClinVar (database versions not stated): gnomAD 0.00001; TOPMed 0.00001.
gnomAD v4.1: 10 of 1,614,084 alleles (0.00062%); highest among the groups gnomAD compares: Non-Finnish European, 0.00085%; no homozygotes.

Submission:

Labcorp Genetics (formerly Invitae), Labcorp
Classification: Uncertain significance. Last evaluated: 2024-12-23. Review status: criteria provided, single submitter. Criteria: Invitae Variant Classification Sherloc (09022015). Collection method: clinical testing. Allele origin: germline.
Comment: This sequence change replaces arginine, which is basic and polar, with cysteine, which is neutral and slightly polar, at codon 62 of the IMPDH1 protein (p.Arg62Cys). This variant is present in population databases (no rsID available, gnomAD 0.004%). This variant has not been reported in the literature in individuals affected with IMPDH1-related conditions. ClinVar contains an entry for this variant (Variation ID: 1991632). An algorithm developed to predict the effect of missense changes on protein structure and function (PolyPhen-2) suggests that this variant is likely to be tolerated. In summary, the available evidence is currently insufficient to determine the role of this variant in disease. Therefore, it has been classified as a Variant of Uncertain Significance.